The following is an entry in ClinVar:

ClinVar aggregate classification (germline): Uncertain significance (1 of 4 stars; one submission).

Conditions:
Facioscapulohumeral muscular dystrophy 2 (FSHD2). Also called: MUSCULAR DYSTROPHY, FACIOSCAPULOHUMERAL, TYPE 1B; FACIOSCAPULOHUMERAL MUSCULAR DYSTROPHY 2, DIGENIC; FSHD2, DIGENIC. Identifiers: Orphanet 269, MedGen C1834671, MONDO:0008031, OMIM 158901.

Submission:

Labcorp Genetics (formerly Invitae), Labcorp
Classification: Uncertain significance for Facioscapulohumeral muscular dystrophy 2. Last evaluated: 2021-08-03. Review status: criteria provided, single submitter. Criteria: Invitae Variant Classification Sherloc (09022015). Collection method: clinical testing. Allele origin: germline.
Comment: Algorithms developed to predict the effect of missense changes on protein structure and function are either unavailable or do not agree on the potential impact of this missense change (SIFT: "Deleterious"; PolyPhen-2: "Benign"; Align-GVGD: "Class C0"). This variant has not been reported in the literature in individuals affected with SMCHD1-related conditions. This variant is not present in population databases (ExAC no frequency). This sequence change replaces threonine with asparagine at codon 1551 of the SMCHD1 protein (p.Thr1551Asn). The threonine residue is moderately conserved and there is a small physicochemical difference between threonine and asparagine. In summary, the available evidence is currently insufficient to determine the role of this variant in disease. Therefore, it has been classified as a Variant of Uncertain Significance.

NM_015295.3(SMCHD1):c.4652C>A (p.Thr1551Asn)

Gene: SMCHD1 (structural maintenance of chromosomes flexible hinge domain containing 1; plus strand). Cytogenetic location: 18p11.32.
Variant type: single nucleotide variant.
Coding change: c.4652C>A on transcript NM_015295.3 (MANE Select); coding-DNA position 4652, C replaced by A.
Protein change: p.Thr1551Asn; replaces threonine 1551 with asparagine.
Molecular consequence: missense variant.
Genome position (GRCh38, 1-based): chr18:2,763,722, C>A. VCF-style: chr18-2763722-C-A. GRCh37 (hg19) VCF-style: chr18-2763720-C-A.
Other names: short protein forms T1551N.
Identifiers: ClinVar variation 1509803 (VCV001509803.6), dbSNP rs764313867, ClinGen allele CA401697086.
Genomic context (GRCh38, chr18:2,763,722, plus strand): 5'-TTGATTTGGTTGGCACTATAATAGCCACCATTAAAGGCTCTAATGAGGAAGATACTGATA[C>A]CCCACTTTTTATTGGGAAAGTTAGAACACTTGAATTCCCCTTCGTGAATGGTTCGGCTGA-3'
Protein context (NP_056110.2, residues 1541-1561): IKGSNEEDTD[Thr1551Asn]PLFIGKVRTL